The following is an entry in ClinVar:

NM_025074.7(FRAS1):c.7786G>A (p.Ala2596Thr)

Gene: FRAS1 (Fraser extracellular matrix complex subunit 1; plus strand). Cytogenetic location: 4q21.21.
Variant type: single nucleotide variant.
Coding change: c.7786G>A on transcript NM_025074.7 (MANE Select); coding-DNA position 7786, G replaced by A.
Protein change: p.Ala2596Thr; replaces alanine 2596 with threonine.
Molecular consequence: missense variant.
Genome position (GRCh38, 1-based): chr4:78,475,541, G>A. VCF-style: chr4-78475541-G-A. GRCh37 (hg19) VCF-style: chr4-79396695-G-A.
Other names: short protein forms A2596T.
Identifiers: ClinVar variation 3591105 (VCV003591105.2).

ClinVar aggregate classification (germline): Uncertain significance. Review status: criteria provided, multiple submitters, no conflicts (2 of 4 stars). 2 submissions from 2 submitters: Uncertain significance (2). Last evaluated 2025-05-14.

Conditions:
Fraser syndrome 1 (FRASRS1). Also called: CRYPTOPHTHALMOS WITH OTHER MALFORMATIONS. Identifiers: Orphanet 2052, MedGen C4551480, MONDO:0054737, OMIM 219000.

gnomAD v4.1: 35 of 1,613,496 alleles (0.0022%); highest among the groups gnomAD compares: Middle Eastern, 0.033%; 1 homozygote.

Submissions (2):

Labcorp Genetics (formerly Invitae), Labcorp
Classification: Uncertain significance. Last evaluated: 2025-05-14. Review status: criteria provided, single submitter. Criteria: Invitae Variant Classification Sherloc (09022015). Collection method: clinical testing. Allele origin: germline.
Comment: This sequence change replaces alanine, which is neutral and non-polar, with threonine, which is neutral and polar, at codon 2596 of the FRAS1 protein (p.Ala2596Thr). This variant is present in population databases (rs750440079, gnomAD 0.01%). This variant has not been reported in the literature in individuals affected with FRAS1-related conditions. ClinVar contains an entry for this variant (Variation ID: 3591105). Invitae Evidence Modeling of protein sequence and biophysical properties (such as structural, functional, and spatial information, amino acid conservation, physicochemical variation, residue mobility, and thermodynamic stability) indicates that this missense variant is expected to disrupt FRAS1 protein function with a positive predictive value of 80%. In summary, the available evidence is currently insufficient to determine the role of this variant in disease. Therefore, it has been classified as a Variant of Uncertain Significance.

Fulgent Genetics
Classification: Uncertain significance for Fraser syndrome 1. Last evaluated: 2024-02-03. Review status: criteria provided, single submitter. Criteria: ACMG Guidelines, 2015. Collection method: clinical testing. Allele origin: germline.